The following is an entry in ClinVar:

ClinVar aggregate classification (germline): Likely benign (0 of 4 stars; one submission).

Conditions:
MYO5B-related disorder. Also called: MYO5B-related condition.

Submission:

PreventionGenetics, part of Exact Sciences
Classification: Likely benign for MYO5B-related condition. Last evaluated: 2021-09-08. Review status: no assertion criteria provided. Collection method: clinical testing. Allele origin: germline.
Comment: This variant is classified as likely benign based on ACMG/AMP sequence variant interpretation guidelines (Richards et al. 2015 PMID: 25741868, with internal and published modifications).

NM_001080467.3(MYO5B):c.2988C>T (p.His996=)

Gene: MYO5B (myosin VB; minus strand). Cytogenetic location: 18q21.1.
Variant type: single nucleotide variant.
Coding change: c.2988C>T on transcript NM_001080467.3 (MANE Select); coding-DNA position 2988, C replaced by T.
Protein change: p.His996=; no amino-acid change (histidine 996 retained).
Molecular consequence: synonymous variant.
Genome position (GRCh38, 1-based): chr18:49,894,998, G>A on the plus strand (C>T on the coding strand, the complement: MYO5B is on the minus strand). VCF-style: chr18-49894998-G-A. GRCh37 (hg19) VCF-style: chr18-47421368-G-A.
Identifiers: ClinVar variation 3056322 (VCV003056322.2), dbSNP rs2024761568, ClinGen allele CA503991596.
Genomic context (GRCh38, chr18:49,894,998, plus strand): 5'-TACCTTCCTCAGCTCATCTTTCTCCCTGCTGTGGGCGTCCTCCAAGATCTTGCGCTCCGA[G>A]TGGGCCCTCTGCAGCTCTGTGCGCAGGCTCTCCACCTCCTCCTGCAGCCTGAGGCTGGTG-3'
Protein context (NP_001073936.1, residues 986-1006): ESLRTELQRA[His996=]SERKILEDAH